The following is an entry in ClinVar:

ClinVar aggregate classification (germline): Likely pathogenic. Review status: criteria provided, multiple submitters, no conflicts (2 of 4 stars). 2 submissions from 2 submitters: Likely pathogenic (2). Last evaluated 2024-04-09.

Conditions:
Autosomal recessive Alport syndrome (ATS2). Also called: ALPORT SYNDROME 2, AUTOSOMAL RECESSIVE; Alport syndrome type 2; COL4A3-Related Nephropathy; COL4A4 Alport Syndrome and Thin Basement Membrane Nephropathy. Identifiers: Orphanet 63, Orphanet 88919, MedGen C4746745, MONDO:0008762, OMIM 203780.
Hematuria, benign familial, 1 (BFH1). Also called: THIN MEMBRANE NEPHROPATHY. Identifiers: MedGen CN376803, MONDO:0007709, OMIM 141200.

Allele frequency attached by ClinVar (database versions not stated): gnomAD exomes below 0.00001.

Submissions (2):

Fulgent Genetics
Classification: Likely pathogenic for Hematuria, benign familial, 1; Autosomal recessive Alport syndrome. Last evaluated: 2024-04-09. Review status: criteria provided, single submitter. Criteria: ACMG Guidelines, 2015. Collection method: clinical testing. Allele origin: germline.

Labcorp Genetics (formerly Invitae), Labcorp
Classification: Likely pathogenic. Last evaluated: 2022-03-31. Review status: criteria provided, single submitter. Criteria: Invitae Variant Classification Sherloc (09022015). Collection method: clinical testing. Allele origin: germline.
Comment: This variant results in the deletion of part of exon 44 (c.4091-8_4092del) of the COL4A4 gene. It is expected to disrupt RNA splicing. Variants that disrupt the donor or acceptor splice site typically lead to a loss of protein function (PMID: 16199547), and loss-of-function variants in COL4A4 are known to be pathogenic (PMID: 21196518, 24854265, 25307543). This variant is not present in population databases (gnomAD no frequency). This variant has not been reported in the literature in individuals affected with COL4A4-related conditions. Algorithms developed to predict the effect of sequence changes on RNA splicing suggest that this variant may disrupt the consensus splice site. In summary, the currently available evidence indicates that the variant is pathogenic, but additional data are needed to prove that conclusively. Therefore, this variant has been classified as Likely Pathogenic.

Literature cited by the submitters: PubMed 16199547 (cited by Labcorp Genetics (formerly Invitae), Labcorp); PubMed 21196518 (cited by Labcorp Genetics (formerly Invitae), Labcorp); PubMed 24854265 (cited by Labcorp Genetics (formerly Invitae), Labcorp); PubMed 25307543 (cited by Labcorp Genetics (formerly Invitae), Labcorp).

NM_000092.5(COL4A4):c.4091-8_4092del

Gene: COL4A4 (collagen type IV alpha 4 chain; minus strand). Cytogenetic location: 2q36.3.
Variant type: Deletion.
Coding change: c.4091-8_4092del on transcript NM_000092.5 (MANE Select); 8 bases into the intron before coding-DNA position 4091 through coding-DNA position 4092, 10 bases deleted (AATTTCAGGT; older notation c.4091-8_4092delAATTTCAGGT).
Molecular consequence: splice acceptor variant.
Genome position (GRCh38, 1-based): chr2:227,022,172-227,022,181, ACCTGAAATT deleted on the plus strand (AATTTCAGGT on the coding strand, the reverse complement: COL4A4 is on the minus strand). VCF-style (leftmost placement, unchanged base first): chr2-227022171-CACCTGAAATT-C. GRCh37 (hg19) VCF-style: chr2-227886887-CACCTGAAATT-C.
Identifiers: ClinVar variation 2119844 (VCV002119844.5), dbSNP rs2473010935, ClinGen allele CA2580065825.